The following is an entry in ClinVar:

NM_015404.4(WHRN):c.2383C>T (p.Arg795Trp)

Gene: WHRN (whirlin; minus strand). Cytogenetic location: 9q32.
Variant type: single nucleotide variant.
Coding change: c.2383C>T on transcript NM_015404.4 (MANE Select); coding-DNA position 2383, C replaced by T.
Protein change: p.Arg795Trp; replaces arginine 795 with tryptophan.
Molecular consequence: missense variant.
Genome position (GRCh38, 1-based): chr9:114,403,931, G>A on the plus strand (C>T on the coding strand, the complement: WHRN is on the minus strand). VCF-style: chr9-114403931-G-A. GRCh37 (hg19) VCF-style: chr9-117166211-G-A.
Other names: c.1234C>T, p.Arg412Trp (NM_001083885.3); c.2380C>T, p.Arg794Trp (NM_001173425.2); c.1330C>T, p.Arg444Trp (NM_001346890.1); short protein forms R795W, R412W, R444W, R794W.
Identifiers: ClinVar variation 364679 (VCV000364679.12), dbSNP rs545286422, ClinGen allele CA5205654.
Genomic context (GRCh38, chr9:114,403,931, plus strand): 5'-CTGCATCCTCCTCCTCCTGGCTCACCGGTTTGTTGGCCCCATCTGTGGGCCTCTCGTTCC[G>A]AGGCAGCTCCTTGCTACTCCTGCTCTTGGTGGACACCGACTGCCTTCCTCGGCCTGGGGC-3'
Protein context (NP_056219.3, residues 785-805): TKSRSSKELP[Arg795Trp]NERPTDGANK

ClinVar aggregate classification (germline): Uncertain significance. Review status: criteria provided, multiple submitters, no conflicts (2 of 4 stars). 3 submissions from 2 submitters: Uncertain significance (3). Last evaluated 2024-12-16.

Conditions:
Autosomal recessive nonsyndromic hearing loss 31. Also called: WHIRLER, MOUSE, HOMOLOG OF. Identifiers: Orphanet 90636, MedGen C1846839, MONDO:0011767, OMIM 607084.
Usher syndrome type 2D. Also called: USHER SYNDROME, TYPE IID. Identifiers: Orphanet 231178, Orphanet 886, MedGen C1568249, MONDO:0012662, OMIM 611383.

Allele frequency attached by ClinVar (database versions not stated): ExAC 0.00001; gnomAD 0.00001 and 0.00002; TOPMed 0.00001.
gnomAD v4.1: 22 of 1,611,062 alleles (0.0014%); highest among the groups gnomAD compares: East Asian, 0.0067%; no homozygotes.

Submissions (3):

Labcorp Genetics (formerly Invitae), Labcorp
Classification: Uncertain significance. Last evaluated: 2024-12-16. Review status: criteria provided, single submitter. Criteria: Invitae Variant Classification Sherloc (09022015). Collection method: clinical testing. Allele origin: germline.
Comment: This sequence change replaces arginine, which is basic and polar, with tryptophan, which is neutral and slightly polar, at codon 795 of the WHRN protein (p.Arg795Trp). This variant is present in population databases (rs545286422, gnomAD 0.01%). This variant has not been reported in the literature in individuals affected with WHRN-related conditions. ClinVar contains an entry for this variant (Variation ID: 364679). An algorithm developed to predict the effect of missense changes on protein structure and function (PolyPhen-2) suggests that this variant¬†is likely to be tolerated. In summary, the available evidence is currently insufficient to determine the role of this variant in disease. Therefore, it has been classified as a Variant of Uncertain Significance.

Illumina Laboratory Services, Illumina
Classification: Uncertain significance for Autosomal recessive nonsyndromic hearing loss 31. Last evaluated: 2018-01-12. Review status: criteria provided, single submitter. Criteria: ICSL Variant Classification Criteria 13 December 2019. Collection method: clinical testing. Allele origin: germline.

Illumina Laboratory Services, Illumina
Classification: Uncertain significance for Usher syndrome type 2D. Last evaluated: 2018-01-12. Review status: criteria provided, single submitter. Criteria: ICSL Variant Classification Criteria 13 December 2019. Collection method: clinical testing. Allele origin: germline.